The following is an entry in ClinVar:

NM_182961.4(SYNE1):c.4373T>C (p.Leu1458Pro)

Gene: SYNE1 (spectrin repeat containing nuclear envelope protein 1; minus strand). Cytogenetic location: 6q25.2.
Variant type: single nucleotide variant.
Coding change: c.4373T>C on transcript NM_182961.4 (MANE Select); coding-DNA position 4373, T replaced by C.
Protein change: p.Leu1458Pro; replaces leucine 1458 with proline.
Molecular consequence: missense variant.
Genome position (GRCh38, 1-based): chr6:152,433,883, A>G on the plus strand (T>C on the coding strand, the complement: SYNE1 is on the minus strand). VCF-style: chr6-152433883-A-G. GRCh37 (hg19) VCF-style: chr6-152755018-A-G.
Other names: c.4394T>C, p.Leu1465Pro (NM_033071.5); short protein forms L1465P, L1458P.
Identifiers: ClinVar variation 1477788 (VCV001477788.8), dbSNP rs2154210873, ClinGen allele CA366143754.

ClinVar aggregate classification (germline): Uncertain significance (1 of 4 stars; one submission).

Conditions:
Autosomal recessive ataxia, Beauce type. Also called: SYNE1-Related Autosomal Recessive Cerebellar Ataxia; Spinocerebellar ataxia, autosomal recessive 8; ATAXIA, RECESSIVE, OF BEAUCE; SYNE1 Deficiency. Identifiers: Orphanet 88644, MedGen C1853116, MONDO:0012549, OMIM 610743.
Emery-Dreifuss muscular dystrophy 4, autosomal dominant (EDMD4). Also called: EMERY-DREIFUSS MUSCULAR DYSTROPHY 4 WITH VARIABLE FEATURES. Identifiers: Orphanet 261, MedGen C2751807, MONDO:0013071, OMIM 612998.

gnomAD v4.1: 1 of 1,613,834 alleles (0.000062%); highest among the groups gnomAD compares: Non-Finnish European, 0.000085%; no homozygotes.

Submission:

Labcorp Genetics (formerly Invitae), Labcorp
Classification: Uncertain significance for Emery-Dreifuss muscular dystrophy 4, autosomal dominant; Autosomal recessive ataxia, Beauce type. Last evaluated: 2022-06-27. Review status: criteria provided, single submitter. Criteria: Invitae Variant Classification Sherloc (09022015). Collection method: clinical testing. Allele origin: germline.
Comment: Algorithms developed to predict the effect of missense changes on protein structure and function are either unavailable or do not agree on the potential impact of this missense change (SIFT: "Deleterious"; PolyPhen-2: "Probably Damaging"; Align-GVGD: "Class C0"). In summary, the available evidence is currently insufficient to determine the role of this variant in disease. Therefore, it has been classified as a Variant of Uncertain Significance. This variant has not been reported in the literature in individuals affected with SYNE1-related conditions. This variant is not present in population databases (gnomAD no frequency). This sequence change replaces leucine, which is neutral and non-polar, with proline, which is neutral and non-polar, at codon 1465 of the SYNE1 protein (p.Leu1465Pro).